The following is an entry in ClinVar:

NM_020365.5(EIF2B3):c.1A>C (p.Met1Leu)

Gene: EIF2B3 (eukaryotic translation initiation factor 2B subunit gamma; minus strand). Cytogenetic location: 1p34.1.
Variant type: single nucleotide variant.
Coding change: c.1A>C on transcript NM_020365.5 (MANE Select); coding-DNA position 1, A replaced by C.
Protein change: p.Met1Leu; changes the start codon (methionine 1).
Molecular consequence: missense variant, initiator codon variant.
Genome position (GRCh38, 1-based): chr1:44,981,168, T>G on the plus strand (A>C on the coding strand, the complement: EIF2B3 is on the minus strand). VCF-style: chr1-44981168-T-G. GRCh37 (hg19) VCF-style: chr1-45446840-T-G.
Other names: c.1A>C, p.Met1Leu (NM_001166588.3, NM_001261418.2); short protein forms M1L.
Identifiers: ClinVar variation 1301370 (VCV001301370.2), dbSNP rs2148965825, ClinGen allele CA340102385.
Genomic context (GRCh38, chr1:44,981,168, plus strand): 5'-AAGTTAGGTCTGTCATCCGAGATCCTCCACCTACTGCCATCACTACTGCTTGAAATTCCA[T>G]TTTTACAAACTGCAAGTACAGAAAAAACAATTAACAGAAAAAAAACAATGTAACAAAAAT-3'
Protein context (NP_065098.1, residues 1-11): [Met1Leu]EFQAVVMAVG

ClinVar aggregate classification (germline): Uncertain significance (1 of 4 stars; one submission).

Submission:

Women's Health and Genetics/Laboratory Corporation of America, LabCorp
Classification: Uncertain significance. Last evaluated: 2021-09-13. Review status: criteria provided, single submitter. Criteria: LabCorp Variant Classification Summary - May 2015. Collection method: clinical testing. Allele origin: germline.
Comment: Variant summary: EIF2B3 c.1A>C (p.Met1Leu) alters the initiation codon (start loss variant) and is predicted to result either in absence of the protein or truncation of the encoded protein due to translation initiation at a downstream codon. An alternative in-frame start codon (Met8) is located in the encoded protein. To our knowledge no other pathogenic variants has been reported upstream of this codon. Two of three in-silico tools predict a benign effect of the variant on protein function. The variant was absent in 251422 control chromosomes. The available data on variant occurrences in the general population are insufficient to allow any conclusion about variant significance. To our knowledge, no occurrence of c.1A>C in individuals affected with Leukoencephalopathy With Vanishing White Matter and no experimental evidence demonstrating its impact on protein function have been reported. No clinical diagnostic laboratories have submitted clinical-significance assessments for this variant to ClinVar after 2014. Based on the evidence outlined above, the variant was classified as uncertain significance.